The following is an entry in ClinVar:

ClinVar aggregate classification (germline): Uncertain significance (1 of 4 stars; one submission).

Submission:

GeneDx
Classification: Uncertain significance. Last evaluated: 2026-03-29. Review status: criteria provided, single submitter. Criteria: GeneDx Variant Classification Process June 2021. Collection method: clinical testing. Allele origin: germline.
Comment: Not observed at significant frequency in large population cohorts (gnomAD); In silico analysis supports that this missense variant has a deleterious effect on protein structure/function; Has not been previously published as pathogenic or benign to our knowledge

NM_004789.4(LHX2):c.802C>G (p.Arg268Gly)

Gene: LHX2 (LIM homeobox 2; plus strand). Cytogenetic location: 9q33.3.
Variant type: single nucleotide variant.
Coding change: c.802C>G on transcript NM_004789.4 (MANE Select); coding-DNA position 802, C replaced by G.
Protein change: p.Arg268Gly; replaces arginine 268 with glycine.
Molecular consequence: missense variant.
Genome position (GRCh38, 1-based): chr9:124,021,173, C>G. VCF-style: chr9-124021173-C-G. GRCh37 (hg19) VCF-style: chr9-126783452-C-G.
Other names: short protein forms R268G.
Identifiers: ClinVar variation 5017890 (VCV005017890.1).